The following is an entry in ClinVar:

ClinVar aggregate classification (germline): Likely benign (0 of 4 stars; one submission).

Conditions:
NCOA1-related disorder. Also called: NCOA1-related condition.

Submission:

PreventionGenetics, part of Exact Sciences
Classification: Likely benign for NCOA1-related condition. Last evaluated: 2024-09-26. Review status: no assertion criteria provided. Collection method: clinical testing. Allele origin: germline.
Comment: This variant is classified as likely benign based on ACMG/AMP sequence variant interpretation guidelines (Richards et al. 2015 PMID: 25741868, with internal and published modifications).

NM_003743.5(NCOA1):c.432A>G (p.Leu144=)

Gene: NCOA1 (nuclear receptor coactivator 1; plus strand). Cytogenetic location: 2p23.3.
Variant type: single nucleotide variant.
Coding change: c.432A>G on transcript NM_003743.5 (MANE Select); coding-DNA position 432, A replaced by G.
Protein change: p.Leu144=; no amino-acid change (leucine 144 retained).
Molecular consequence: synonymous variant.
Genome position (GRCh38, 1-based): chr2:24,683,028, A>G. VCF-style: chr2-24683028-A-G. GRCh37 (hg19) VCF-style: chr2-24905897-A-G.
Other names: c.432A>G, p.Leu144= (NM_001362950.1, NM_001362952.1, NM_001362954.1 and 3 more transcripts).
Identifiers: ClinVar variation 3351360 (VCV003351360.1).